The following is an entry in ClinVar:

ClinVar aggregate classification (germline): Likely benign (0 of 4 stars; one submission).

Conditions:
SPTBN5-related disorder. Also called: SPTBN5-related condition.

Allele frequency attached by ClinVar (database versions not stated): 1000 Genomes Project 30x 0.00031; 1000 Genomes Project 0.00040; ESP Exome Variant Server 0.00083.
gnomAD v4.1: 978 of 1,609,866 alleles (0.061%); highest among the groups gnomAD compares: Middle Eastern, 0.083%; no homozygotes.

Submission:

PreventionGenetics, part of Exact Sciences
Classification: Likely benign for SPTBN5-related condition. Last evaluated: 2023-04-04. Review status: no assertion criteria provided. Collection method: clinical testing. Allele origin: germline.
Comment: This variant is classified as likely benign based on ACMG/AMP sequence variant interpretation guidelines (Richards et al. 2015 PMID: 25741868, with internal and published modifications).

NM_016642.4(SPTBN5):c.10347+10G>T

Gene: SPTBN5 (spectrin beta, non-erythrocytic 5; minus strand). Cytogenetic location: 15q15.1.
Variant type: single nucleotide variant.
Coding change: c.10347+10G>T on transcript NM_016642.4 (MANE Select); 10 bases into the intron after coding-DNA position 10347, G replaced by T.
Molecular consequence: intron variant.
Genome position (GRCh38, 1-based): chr15:41,852,814, C>A on the plus strand (G>T on the coding strand, the complement: SPTBN5 is on the minus strand). VCF-style: chr15-41852814-C-A. GRCh37 (hg19) VCF-style: chr15-42145012-C-A.
Identifiers: ClinVar variation 3049217 (VCV003049217.2), dbSNP rs143291051, ClinGen allele CA7501081.
Genomic context (GRCh38, chr15:41,852,814, plus strand): 5'-AGGTGACGCCCAGCTTGGGGGGGGGGGCCCAGAGCCTGGTAGCCAGCTAAGGGGCAGGAC[C>A]CCCACTCACCCCATAGTCGGGCTTCAGCAGGAGTCCCTCCCAGCAGGCCAGCCAGGCCTC-3'